The following is an entry in ClinVar:

ClinVar aggregate classification (germline): Uncertain significance. Review status: criteria provided, multiple submitters, no conflicts (2 of 4 stars). 3 submissions from 3 submitters: Uncertain significance (3). Last evaluated 2026-01-17.

Conditions:
DICER1-related tumor predisposition. Also called: DICER1 syndrome; DICER1-related pleuropulmonary blastoma cancer predisposition syndrome. Identifiers: Orphanet 284343, MedGen C3839822, MONDO:0100216.
Hereditary cancer-predisposing syndrome. Also called: Neoplastic Syndromes, Hereditary; Tumor predisposition; Hereditary Cancer Syndrome; Hereditary neoplastic syndrome. Identifiers: Orphanet 140162, MedGen C0027672, MeSH D009386, MONDO:0015356.

Allele frequency attached by ClinVar (database versions not stated): gnomAD exomes below 0.00001.
gnomAD v4.1: 2 of 1,613,464 alleles (0.00012%); highest among the groups gnomAD compares: East Asian, 0.0045%; no homozygotes.

Submissions (3):

Ambry Genetics
Classification: Uncertain significance for Hereditary cancer-predisposing syndrome. Last evaluated: 2026-01-17. Review status: criteria provided, single submitter. Criteria: Ambry Variant Classification Scheme 2023. Collection method: clinical testing. Allele origin: germline.
Comment: The p.T453I variant (also known as c.1358C>T), located in coding exon 7 of the DICER1 gene, results from a C to T substitution at nucleotide position 1358. The threonine at codon 453 is replaced by isoleucine, an amino acid with similar properties. This amino acid position is conserved. In addition, this alteration is predicted to be deleterious by in silico analysis. Based on the available evidence, the clinical significance of this variant remains unclear.

GeneDx
Classification: Uncertain significance. Last evaluated: 2024-09-25. Review status: criteria provided, single submitter. Criteria: GeneDx Variant Classification Process June 2021. Collection method: clinical testing. Allele origin: germline. Affected: yes.
Comment: Not observed at significant frequency in large population cohorts (gnomAD); In silico analysis indicates that this missense variant does not alter protein structure/function; Has not been previously published as pathogenic or benign to our knowledge

Labcorp Genetics (formerly Invitae), Labcorp
Classification: Uncertain significance for DICER1-related tumor predisposition. Last evaluated: 2024-04-11. Review status: criteria provided, single submitter. Criteria: Invitae Variant Classification Sherloc (09022015). Collection method: clinical testing. Allele origin: germline.
Comment: This sequence change replaces threonine, which is neutral and polar, with isoleucine, which is neutral and non-polar, at codon 453 of the DICER1 protein (p.Thr453Ile). This variant is not present in population databases (gnomAD no frequency). This variant has not been reported in the literature in individuals affected with DICER1-related conditions. ClinVar contains an entry for this variant (Variation ID: 1431642). Advanced modeling of protein sequence and biophysical properties (such as structural, functional, and spatial information, amino acid conservation, physicochemical variation, residue mobility, and thermodynamic stability) performed at Invitae indicates that this missense variant is not expected to disrupt DICER1 protein function with a negative predictive value of 80%. In summary, the available evidence is currently insufficient to determine the role of this variant in disease. Therefore, it has been classified as a Variant of Uncertain Significance.

NM_177438.3(DICER1):c.1358C>T (p.Thr453Ile)

Gene: DICER1 (dicer 1, ribonuclease III; minus strand). Cytogenetic location: 14q32.13.
Variant type: single nucleotide variant.
Coding change: c.1358C>T on transcript NM_177438.3 (MANE Select); coding-DNA position 1358, C replaced by T.
Protein change: p.Thr453Ile; replaces threonine 453 with isoleucine.
Molecular consequence: missense variant.
Genome position (GRCh38, 1-based): chr14:95,124,214, G>A on the plus strand (C>T on the coding strand, the complement: DICER1 is on the minus strand). VCF-style: chr14-95124214-G-A. GRCh37 (hg19) VCF-style: chr14-95590551-G-A.
Other names: c.1358C>T, p.Thr453Ile (NM_001195573.1, NM_001271282.3, NM_001291628.2 and 1 more transcripts); c.1358C>T (NM_177438.2); short protein forms T453I.
Identifiers: ClinVar variation 1431642 (VCV001431642.11), dbSNP rs1893185057, ClinGen allele CA390886142.